The following is an entry in ClinVar:

ClinVar aggregate classification (germline): Uncertain significance (1 of 4 stars; one submission).

Submission:

Labcorp Genetics (formerly Invitae), Labcorp
Classification: Uncertain significance. Last evaluated: 2024-06-04. Review status: criteria provided, single submitter. Criteria: Invitae Variant Classification Sherloc (09022015). Collection method: clinical testing. Allele origin: germline.
Comment: This sequence change creates a premature translational stop signal (p.Tyr287*) in the SLC1A2 gene. It is expected to result in an absent or disrupted protein product. However, the current clinical and genetic evidence is not sufficient to establish whether loss-of-function variants in SLC1A2 cause disease. This variant is not present in population databases (gnomAD no frequency). This variant has not been reported in the literature in individuals affected with SLC1A2-related conditions. In summary, the available evidence is currently insufficient to determine the role of this variant in disease. Therefore, it has been classified as a Variant of Uncertain Significance.

NM_004171.4(SLC1A2):c.861C>G (p.Tyr287Ter)

Gene: SLC1A2 (solute carrier family 1 member 2; minus strand). Cytogenetic location: 11p13.
Variant type: single nucleotide variant.
Coding change: c.861C>G on transcript NM_004171.4 (MANE Select); coding-DNA position 861, C replaced by G.
Protein change: p.Tyr287Ter; replaces tyrosine 287 with a stop codon.
Molecular consequence: nonsense.
Genome position (GRCh38, 1-based): chr11:35,292,517, G>C on the plus strand (C>G on the coding strand, the complement: SLC1A2 is on the minus strand). VCF-style: chr11-35292517-G-C. GRCh37 (hg19) VCF-style: chr11-35314064-G-C.
Other names: c.834C>G, p.Tyr278Ter (NM_001195728.3, NM_001252652.2); short protein forms Y287*, Y278*.
Identifiers: ClinVar variation 2785836 (VCV002785836.3), dbSNP rs2497775035, ClinGen allele CA380125253.